The following is an entry in ClinVar:

ClinVar aggregate classification (germline): Likely benign. Review status: criteria provided, multiple submitters, no conflicts (2 of 4 stars). 3 submissions from 3 submitters: Likely benign (3). Last evaluated 2026-06-25.

Conditions:
Cohen syndrome (COH1). Also called: Cutis verticis gyrata, retinitis pigmentosa, and sensorineural deafness; PEPPER SYNDROME. Identifiers: Orphanet 193, MedGen C0265223, MONDO:0008999, OMIM 216550.
VPS13B-related disorder. Also called: VPS13B-related condition.

Allele frequency attached by ClinVar (database versions not stated): TOPMed below 0.00001; gnomAD 0.00001; gnomAD exomes 0.00001 and 0.00002; ExAC 0.00002.
gnomAD v4.1: 11 of 1,613,072 alleles (0.00068%); highest among the groups gnomAD compares: East Asian, 0.016%; no homozygotes.

Submissions (3):

PreventionGenetics, part of Exact Sciences
Classification: Likely benign for VPS13B-related condition. Last evaluated: 2026-06-25. Review status: criteria provided, single submitter. Criteria: ACMG Guidelines, 2015. Collection method: clinical testing. Allele origin: germline.
Comment: This variant is classified as likely benign based on ACMG/AMP sequence variant interpretation guidelines (Richards et al. 2015 PMID: 25741868, with internal and published modifications).

Labcorp Genetics (formerly Invitae), Labcorp
Classification: Likely benign for Cohen syndrome. Last evaluated: 2026-01-26. Review status: criteria provided, single submitter. Criteria: Invitae Variant Classification Sherloc (09022015). Collection method: clinical testing. Allele origin: germline.

Blueprint Genetics
Classification: Likely benign. Last evaluated: 2019-09-20. Review status: criteria provided, single submitter. Criteria: ACMG Guidelines, 2015. Collection method: clinical testing. Allele origin: germline.

NM_152564.5(VPS13B):c.6047-4A>G

Gene: VPS13B (vacuolar protein sorting 13 homolog B; plus strand). Cytogenetic location: 8q22.2.
Variant type: single nucleotide variant.
Coding change: c.6047-4A>G on transcript NM_152564.5 (MANE Select); 4 bases into the intron before coding-DNA position 6047, A replaced by G.
Molecular consequence: intron variant.
Genome position (GRCh38, 1-based): chr8:99,699,521, A>G. VCF-style: chr8-99699521-A-G. GRCh37 (hg19) VCF-style: chr8-100711749-A-G.
Other names: c.6047-4A>G (NM_152564.4); c.6122-4A>G (NM_017890.5).
Identifiers: ClinVar variation 1086884 (VCV001086884.11), dbSNP rs764928258, ClinGen allele CA4823931.
Genomic context (GRCh38, chr8:99,699,521, plus strand): 5'-GAAGTAAAGGCTTGTATTCAGTAAGAAAGCTTCAATAATTGTTTTCTCTTTTTTACTTCT[A>G]TAGCGGATGTCAATTTGGATATATCAAAGCCTTTGAAAGCAAACCTGAGTTTCACCAAAC-3'